The following is an entry in ClinVar:

NM_000152.5(GAA):c.1089G>A (p.Met363Ile)

Gene: GAA (alpha glucosidase; plus strand). Cytogenetic location: 17q25.3.
Variant type: single nucleotide variant.
Coding change: c.1089G>A on transcript NM_000152.5 (MANE Select); coding-DNA position 1089, G replaced by A.
Protein change: p.Met363Ile; replaces methionine 363 with isoleucine.
Molecular consequence: missense variant.
Genome position (GRCh38, 1-based): chr17:80,108,502, G>A. VCF-style: chr17-80108502-G-A. GRCh37 (hg19) VCF-style: chr17-78082301-G-A.
Other names: c.1089G>A, p.Met363Ile (NM_001079803.3, NM_001079804.3, NM_001406741.1 and 1 more transcripts); short protein forms M363I.
Identifiers: ClinVar variation 2413164 (VCV002413164.4), dbSNP rs2510363310, ClinGen allele CA401364932.
Genomic context (GRCh38, chr17:80,108,502, plus strand): 5'-CCAAGGCTCCCTCCTCCCTCCCTCATGAAGTCGGCGTTGGCCTGCAGGATACCCGTTCAT[G>A]CCGCCATACTGGGGCCTGGGCTTCCACCTGTGCCGCTGGGGCTACTCCTCCACCGCTATC-3'
Protein context (NP_000143.2, residues 353-373): QYLDVVGYPF[Met363Ile]PPYWGLGFHL

ClinVar aggregate classification (germline): Uncertain significance (1 of 4 stars; one submission).

Conditions:
Glycogen storage disease, type II (IOPD). Also called: Pompe Disease; GLYCOGENOSIS, GENERALIZED, CARDIAC FORM; GSD II; POMPE DISEASE, INFANTILE-ONSET; GLYCOGEN STORAGE DISEASE II, INFANTILE-ONSET; ACID ALPHA-GLUCOSIDASE DEFICIENCY, INFANTILE-ONSET. Identifiers: Orphanet 365, MedGen C0017921, MONDO:0009290, OMIM 232300.

Submission:

Pediatric/Medical Genetics, Ministry of Health, Qatif Central Hospital
Classification: Uncertain significance for Glycogen storage disease, type II. Review status: criteria provided, single submitter. Criteria: ACMG Guidelines, 2015. Collection method: clinical testing. Allele origin: germline. Affected: no.